The following is an entry in ClinVar:

NM_001018008.2(TPM1):c.679C>A (p.Gln227Lys)

Gene: TPM1 (tropomyosin 1; plus strand). Cytogenetic location: 15q22.2.
Variant type: single nucleotide variant.
Coding change: c.679C>A on transcript NM_001018008.2; coding-DNA position 679, C replaced by A.
Protein change: p.Gln227Lys; replaces glutamine 227 with lysine.
Molecular consequence: missense variant. On other transcripts: non-coding transcript variant (5), intron variant (8).
Genome position (GRCh38, 1-based): chr15:63,069,884, C>A. VCF-style: chr15-63069884-C-A. GRCh37 (hg19) VCF-style: chr15-63362083-C-A.
Other names: c.787C>A, p.Gln263Lys (NM_001365776.1, NM_001407336.1, NM_001407337.1 and 1 more transcripts); c.899-1206C>A (NM_001365778.1); c.773-1206C>A (NM_001018020.2, NM_001018007.2, NM_001018006.2 and 1 more transcripts); c.852-1206C>A (NM_001407326.1); c.665-1206C>A (NM_001330344.2, NM_001301289.2); c.679C>A, p.Gln227Lys (NM_001330351.2); short protein forms Q263K, Q227K.
Identifiers: ClinVar variation 4979162 (VCV004979162.1).

ClinVar aggregate classification (germline): Uncertain significance (1 of 4 stars; one submission).

Conditions:
TPM1-related disorder. Also called: TPM1-related condition.

gnomAD v4.1: 5 of 1,614,000 alleles (0.00031%); highest among the groups gnomAD compares: African/African-American, 0.004%; no homozygotes.

Submission:

PreventionGenetics, part of Exact Sciences
Classification: Uncertain significance for TPM1-related condition. Last evaluated: 2026-08-12. Review status: criteria provided, single submitter. Criteria: ACMG Guidelines, 2015. Collection method: clinical testing. Allele origin: germline.
Comment: The TPM1 c.679C>A variant is predicted to result in the amino acid substitution p.Gln227Lys. To our knowledge, this variant has not been reported in the literature. This variant is reported in 0.0029% of alleles in individuals of Latino descent in gnomAD. At this time, the clinical significance of this variant is uncertain due to the absence of conclusive functional and genetic evidence.